The following is an entry in ClinVar:

ClinVar aggregate classification (germline): Uncertain significance (1 of 4 stars; one submission).

Conditions:
Charcot-Marie-Tooth disease type 2. Also called: Charcot-Marie-Tooth type 2. Identifiers: Orphanet 64746, MedGen C0270914, MONDO:0018993.

Submission:

Labcorp Genetics (formerly Invitae), Labcorp
Classification: Uncertain significance for Charcot-Marie-Tooth disease type 2. Last evaluated: 2025-09-08. Review status: criteria provided, single submitter. Criteria: Invitae Variant Classification Sherloc (09022015). Collection method: clinical testing. Allele origin: germline.
Comment: This sequence change falls in intron 10 of the BSCL2 gene. It does not directly change the encoded amino acid sequence of the BSCL2 protein. This variant is not present in population databases (gnomAD no frequency). This variant has not been reported in the literature in individuals affected with BSCL2-related conditions. ClinVar contains an entry for this variant (Variation ID: 2743961). Experimental studies and prediction algorithms are not available or were not evaluated, and the effect of this variant on mRNA splicing is currently unknown. In summary, the available evidence is currently insufficient to determine the role of this variant in disease. Therefore, it has been classified as a Variant of Uncertain Significance.

NM_001122955.4(BSCL2):c.1235-2_1235-1insCCAA

Genes: BSCL2 (BSCL2 lipid droplet biogenesis associated, seipin; minus strand), HNRNPUL2-BSCL2 (HNRNPUL2-BSCL2 readthrough (NMD candidate); minus strand). Cytogenetic location: 11q12.3.
Variant type: Insertion.
Coding change: c.1235-2_1235-1insCCAA on transcript NM_001122955.4 (MANE Select); the canonical splice acceptor site of the intron before coding-DNA position 1235, CCAA inserted.
Molecular consequence: splice acceptor variant.
Genome position: GRCh38 VCF-style: chr11-62690522-C-CTGGT. GRCh37 (hg19) VCF-style: chr11-62457994-C-CTGGT.
Other names: c.*37-2_*37-1insCCAA (NM_001130702.2); c.1043-2_1043-1insCCAA (NM_032667.6); c.1235-2_1235-1insCCAA (NM_001386028.1); c.1241-2_1241-1insCCAA (NM_001386027.1).
Identifiers: ClinVar variation 2743961 (VCV002743961.3), dbSNP rs2539143241, ClinGen allele CA2697548605.